The following is an entry in ClinVar:

ClinVar aggregate classification (germline): Uncertain significance (1 of 4 stars; one submission).

Conditions:
Hereditary cancer-predisposing syndrome. Also called: Tumor predisposition; Neoplastic Syndromes, Hereditary; Hereditary neoplastic syndrome; Hereditary Cancer Syndrome. Identifiers: Orphanet 140162, MedGen C0027672, MeSH D009386, MONDO:0015356.

Submission:

Ambry Genetics
Classification: Uncertain significance for Hereditary cancer-predisposing syndrome. Last evaluated: 2025-08-12. Review status: criteria provided, single submitter. Criteria: Ambry Variant Classification Scheme 2023. Collection method: clinical testing. Allele origin: germline.
Comment: The p.K567Q variant (also known as c.1699A>C), located in coding exon 4 of the MET gene, results from an A to C substitution at nucleotide position 1699. The lysine at codon 567 is replaced by glutamine, an amino acid with similar properties. This amino acid position is conserved. In addition, this alteration is predicted to be tolerated by in silico analysis. Based on the available evidence, the clinical significance of this variant remains unclear.

NM_000245.4(MET):c.1699A>C (p.Lys567Gln)

Gene: MET (MET proto-oncogene, receptor tyrosine kinase; plus strand). Cytogenetic location: 7q31.2.
Variant type: single nucleotide variant.
Coding change: c.1699A>C on transcript NM_000245.4 (MANE Select); coding-DNA position 1699, A replaced by C.
Protein change: p.Lys567Gln; replaces lysine 567 with glutamine.
Molecular consequence: missense variant.
Genome position (GRCh38, 1-based): chr7:116,741,023, A>C. VCF-style: chr7-116741023-A-C. GRCh37 (hg19) VCF-style: chr7-116381077-A-C.
Other names: c.1699A>C, p.Lys567Gln (NM_001127500.3, NM_001324401.3); c.409A>C, p.Lys137Gln (NM_001324402.2); short protein forms K137Q, K567Q.
Identifiers: ClinVar variation 4106786 (VCV004106786.1).
Genomic context (GRCh38, chr7:116,741,023, plus strand): 5'-CGATCGGAGGAATGCCTGAGCGGGACATGGACTCAACAGATCTGTCTGCCTGCAATCTAC[A>C]AGGTAGGAATCTCTAACAGCTGGCATACATGTTTTTGTTTGGTGTTTTTTTTTTTTTTTT-3'
Protein context (NP_000236.2, residues 557-577): TQQICLPAIY[Lys567Gln]VFPNSAPLEG